The following is an entry in ClinVar:

NM_001127208.3(TET2):c.589A>G (p.Ile197Val)

Genes: TET2 (tet methylcytosine dioxygenase 2; plus strand), TET2-AS1 (TET2 antisense RNA 1; minus strand). Cytogenetic location: 4q24.
Variant type: single nucleotide variant.
Coding change: c.589A>G on transcript NM_001127208.3 (MANE Select); coding-DNA position 589, A replaced by G.
Protein change: p.Ile197Val; replaces isoleucine 197 with valine.
Molecular consequence: missense variant.
Genome position (GRCh38, 1-based): chr4:105,234,531, A>G. VCF-style: chr4-105234531-A-G. GRCh37 (hg19) VCF-style: chr4-106155688-A-G.
Other names: c.589A>G, p.Ile197Val (NM_017628.4); short protein forms I197V.
Identifiers: ClinVar variation 4843485 (VCV004843485.1).
Genomic context (GRCh38, chr4:105,234,531, plus strand): 5'-CCAGAGCTTCAGATTCTGAATGAGCAGGAGGGGAAAAGTGCTAATTACCATGACAAGAAC[A>G]TTGTATTACTTAAAAACAAGGCAGTGCTAATGCCTAATGGTGCTACAGTTTCTGCCTCTT-3'
Protein context (NP_001120680.1, residues 187-207): GKSANYHDKN[Ile197Val]VLLKNKAVLM

ClinVar aggregate classification (germline): Uncertain significance (1 of 4 stars; one submission).

gnomAD v4.1: 1 of 1,614,144 alleles (0.000062%); highest among the groups gnomAD compares: Non-Finnish European, 0.000085%; no homozygotes.

Submission:

Ambry Genetics
Classification: Uncertain significance. Last evaluated: 2025-12-21. Review status: criteria provided, single submitter. Criteria: Ambry Variant Classification Scheme 2023. Collection method: clinical testing. Allele origin: germline.
Comment: The p.I197V variant (also known as c.589A>G), located in coding exon 1 of the TET2 gene, results from an A to G substitution at nucleotide position 589. The isoleucine at codon 197 is replaced by valine, an amino acid with highly similar properties. This amino acid position is conserved. In addition, this alteration is predicted to be tolerated by in silico analysis. Based on the available evidence, the clinical significance of this variant remains unclear.